The following is an entry in ClinVar:

NM_001127222.2(CACNA1A):c.4242del (p.Asp1415fs)

Genes: CACNA1A (calcium voltage-gated channel subunit alpha1 A; minus strand), LOC126862864 (MED14-independent group 3 enhancer GRCh37_chr19:13371552-13372751; plus strand). Cytogenetic location: 19p13.13.
Variant type: Deletion.
Coding change: c.4242del on transcript NM_001127222.2 (MANE Select); coding-DNA position 4242, one base deleted (A; older notation c.4242delA).
Protein change: p.Asp1415fs; shifts the reading frame from aspartic acid 1415.
Molecular consequence: frameshift variant.
Genome position (GRCh38, 1-based): chr19:13,261,458, T deleted on the plus strand (A on the coding strand, the reverse complement: CACNA1A is on the minus strand); the first of 3 consecutive T bases (chr19:13,261,458-13,261,460); deleting any one gives the same sequence. VCF-style (leftmost placement, unchanged base first): chr19-13261457-CT-C. GRCh37 (hg19) VCF-style: chr19-13372271-CT-C.
Other names: c.4254del, p.Asp1419fs (NM_000068.4, NM_023035.3); c.4245del, p.Asp1416fs (NM_001127221.2, NM_001174080.2); short protein forms D1415fs, D1416fs, D1419fs.
Identifiers: ClinVar variation 2664979 (VCV002664979.2), dbSNP rs2512759168, ClinGen allele CA2695198145.

ClinVar aggregate classification (germline): Likely pathogenic (1 of 4 stars; one submission).

Conditions:
Episodic ataxia type 2 (EA2). Also called: ATAXIA, EPISODIC, WITH NYSTAGMUS; ATAXIA, FAMILIAL PAROXYSMAL; CEREBELLAR ATAXIA, PAROXYSMAL, ACETAZOLAMIDE-RESPONSIVE; CEREBELLOPATHY, HEREDITARY PAROXYSMAL; EPISODIC ATAXIA, NYSTAGMUS-ASSOCIATED; ACETAZOLAMIDE-RESPONSIVE HEREDITARY PAROXYSMAL CEREBELLAR ATAXIA. Identifiers: Orphanet 97, MedGen C1720416, MONDO:0007163, OMIM 108500.

Submission:

Institute of Human Genetics, University of Leipzig Medical Center
Classification: Likely pathogenic for Episodic ataxia type 2. Last evaluated: 2023-11-27. Review status: criteria provided, single submitter. Criteria: ACMG Guidelines, 2015. Collection method: clinical testing. Allele origin: unknown. Inheritance: Autosomal dominant inheritance. Affected: yes.
Comment: Criteria applied: PVS1,PM2_SUP